The following is an entry in ClinVar:

NM_005585.5(SMAD6):c.754G>T (p.Ala252Ser)

Gene: SMAD6 (SMAD family member 6; plus strand). Cytogenetic location: 15q22.31.
Variant type: single nucleotide variant.
Coding change: c.754G>T on transcript NM_005585.5 (MANE Select); coding-DNA position 754, G replaced by T.
Protein change: p.Ala252Ser; replaces alanine 252 with serine.
Molecular consequence: missense variant. On other transcripts: non-coding transcript variant (1).
Genome position (GRCh38, 1-based): chr15:66,704,012, G>T. VCF-style: chr15-66704012-G-T. GRCh37 (hg19) VCF-style: chr15-66996350-G-T.
Other names: short protein forms A252S.
Identifiers: ClinVar variation 2979969 (VCV002979969.3), dbSNP rs2545313134, ClinGen allele CA392950180.
Genomic context (GRCh38, chr15:66,704,012, plus strand): 5'-TGGCCCGACCTGCAGCACGCCGTGGAGCTGAAGCCCCTGTGCGGCTGCCACAGCTTCGCC[G>T]CCGCCGCCGACGGCCCTACCGTGTGCTGCAACCCCTACCACTTCAGCCGGCTCTGCGGGC-3'
Protein context (NP_005576.3, residues 242-262): KPLCGCHSFA[Ala252Ser]AADGPTVCCN

ClinVar aggregate classification (germline): Uncertain significance (1 of 4 stars; one submission).

Conditions:
Aortic valve disease 2 (AOVD2). Identifiers: MedGen C3542024, MONDO:0013902, OMIM 614823.

Allele frequency attached by ClinVar (database versions not stated): gnomAD exomes below 0.00001.
gnomAD v4.1: 1 of 1,498,368 alleles (0.000067%); highest among the groups gnomAD compares: Non-Finnish European, 0.000088%; no homozygotes.

Submission:

Labcorp Genetics (formerly Invitae), Labcorp
Classification: Uncertain significance for Aortic valve disease 2. Last evaluated: 2023-08-04. Review status: criteria provided, single submitter. Criteria: Invitae Variant Classification Sherloc (09022015). Collection method: clinical testing. Allele origin: germline.
Comment: In summary, the available evidence is currently insufficient to determine the role of this variant in disease. Therefore, it has been classified as a Variant of Uncertain Significance. Advanced modeling of protein sequence and biophysical properties (such as structural, functional, and spatial information, amino acid conservation, physicochemical variation, residue mobility, and thermodynamic stability) performed at Invitae indicates that this missense variant is not expected to disrupt SMAD6 protein function. This variant has not been reported in the literature in individuals affected with SMAD6-related conditions. This variant is not present in population databases (gnomAD no frequency). This sequence change replaces alanine, which is neutral and non-polar, with serine, which is neutral and polar, at codon 252 of the SMAD6 protein (p.Ala252Ser).